The following is an entry in ClinVar:

NM_000186.4(CFH):c.58G>A (p.Asp20Asn)

Gene: CFH (complement factor H; plus strand). Cytogenetic location: 1q31.3.
Variant type: single nucleotide variant.
Coding change: c.58G>A on transcript NM_000186.4 (MANE Select); coding-DNA position 58, G replaced by A.
Protein change: p.Asp20Asn; replaces aspartic acid 20 with asparagine.
Molecular consequence: missense variant.
Genome position (GRCh38, 1-based): chr1:196,652,175, G>A. VCF-style: chr1-196652175-G-A. GRCh37 (hg19) VCF-style: chr1-196621305-G-A.
Other names: c.58G>A, p.Asp20Asn (NM_001014975.3); short protein forms D20N.
Identifiers: ClinVar variation 522442 (VCV000522442.13), dbSNP rs1553270437, ClinGen allele CA343989152.

ClinVar aggregate classification (germline): Uncertain significance. Review status: criteria provided, multiple submitters, no conflicts (2 of 4 stars). 4 submissions from 4 submitters: Uncertain significance (3). 1 of the submissions does not count toward it. Last evaluated 2025-09-01.

Conditions:
Factor H deficiency (CFHD). Also called: CFH DEFICIENCY; COMPLEMENT FACTOR H DEFICIENCY. Identifiers: Orphanet 200421, MedGen C0398777, MONDO:0012350, OMIM 609814.
Hemolytic uremic syndrome, atypical, susceptibility to, 1. Also called: AHUS, SUSCEPTIBILITY TO, 1. Identifiers: Orphanet 2134, Orphanet 90038, MedGen C2749604, MONDO:0009335, OMIM 235400. Disease mechanism: Other.

Submissions (4):

CeGaT Center for Human Genetics Tuebingen
Classification: Uncertain significance. Last evaluated: 2025-09-01. Review status: criteria provided, single submitter. Criteria: CeGaT Center For Human Genetics Tuebingen Variant Classification Criteria Version 2. Collection method: clinical testing. Allele origin: germline. Affected: yes. Observed: 1 variant allele.
Comment: CFH: PM2, PP3

Labcorp Genetics (formerly Invitae), Labcorp
Classification: Uncertain significance. Last evaluated: 2023-07-16. Review status: criteria provided, single submitter. Criteria: Invitae Variant Classification Sherloc (09022015). Collection method: clinical testing. Allele origin: germline.
Comment: In summary, the available evidence is currently insufficient to determine the role of this variant in disease. Therefore, it has been classified as a Variant of Uncertain Significance. Variants that disrupt the consensus splice site are a relatively common cause of aberrant splicing (PMID: 17576681, 9536098). Algorithms developed to predict the effect of sequence changes on RNA splicing suggest that this variant may disrupt the consensus splice site. This sequence change replaces aspartic acid, which is acidic and polar, with asparagine, which is neutral and polar, at codon 20 of the CFH protein (p.Asp20Asn). This variant also falls at the last nucleotide of exon 1, which is part of the consensus splice site for this exon. This variant is not present in population databases (gnomAD no frequency). This variant has not been reported in the literature in individuals affected with CFH-related conditions. ClinVar contains an entry for this variant (Variation ID: 522442). An algorithm developed to predict the effect of missense changes on protein structure and function (PolyPhen-2) suggests that this variant is likely to be disruptive.

Baylor Genetics
Classification: Uncertain significance for Factor H deficiency. Last evaluated: 2023-02-02. Review status: criteria provided, single submitter. Criteria: ACMG Guidelines, 2015. Collection method: clinical testing. Allele origin: unknown.

Bioscientia Institut fuer Medizinische Diagnostik GmbH, Sonic Healthcare
Classification: Likely pathogenic for Hemolytic uremic syndrome, atypical, susceptibility to, 1. Last evaluated: 2017-09-18. Review status: no assertion criteria provided. Collection method: clinical testing. Allele origin: germline. Affected: yes. Not counted in ClinVar's aggregate classification.

Literature cited by the submitters: PubMed 17576681 (cited by Labcorp Genetics (formerly Invitae), Labcorp); PubMed 9536098 (cited by Labcorp Genetics (formerly Invitae), Labcorp).